The following is an entry in ClinVar:

ClinVar aggregate classification (germline): Benign. Review status: criteria provided, multiple submitters, no conflicts (2 of 4 stars). 5 submissions from 5 submitters: Benign (4). 1 of the submissions does not count toward it. Last evaluated 2026-02-03.

Conditions:
Gamma-aminobutyric acid transaminase deficiency (GABATD). Also called: GABA aminotransaminase deficiency; GABA transaminase deficiency; Gamma aminobutyrate transaminase deficiency; 4 alpha aminobutyrate transaminase deficiency. Identifiers: Orphanet 2066, MedGen C0342708, MONDO:0013166, OMIM 613163.

Allele frequency attached by ClinVar (database versions not stated): gnomAD exomes 0.00265 and 0.00689; ExAC 0.00835; gnomAD 0.02695 and 0.02911; 1000 Genomes Project 0.02875; ESP Exome Variant Server 0.02909; TOPMed 0.02982; 1000 Genomes Project 30x 0.03045.
gnomAD v4.1: 8,122 of 1,614,232 alleles (0.5%); highest among the groups gnomAD compares: African/African-American, 9.5%; 382 homozygotes.

Submissions (5):

Labcorp Genetics (formerly Invitae), Labcorp
Classification: Benign for Gamma-aminobutyric acid transaminase deficiency. Last evaluated: 2026-02-03. Review status: criteria provided, single submitter. Criteria: Invitae Variant Classification Sherloc (09022015). Collection method: clinical testing. Allele origin: germline.

Illumina Laboratory Services, Illumina
Classification: Benign for Gamma-aminobutyric acid transaminase deficiency. Last evaluated: 2018-01-13. Review status: criteria provided, single submitter. Criteria: ICSL Variant Classification Criteria 13 December 2019. Collection method: clinical testing. Allele origin: germline.
Comment: This variant was observed in the ICSL laboratory as part of a predisposition screen in an ostensibly healthy population. It had not been previously curated by ICSL or reported in the Human Gene Mutation Database (HGMD: prior to June 1st, 2018), and was therefore a candidate for classification through an automated scoring system. Utilizing variant allele frequency, disease prevalence and penetrance estimates, and inheritance mode, an automated score was calculated to assess if this variant is too frequent to cause the disease. Based on the score and internal cut-off values, a variant classified as benign is not then subjected to further curation. The score for this variant resulted in a classification of benign for this disease.

Athena Diagnostics
Classification: Benign. Last evaluated: 2017-08-24. Review status: criteria provided, single submitter. Criteria: Athena Diagnostics Criteria. Collection method: clinical testing. Allele origin: germline.

Breakthrough Genomics
Classification: Benign. Review status: criteria provided, single submitter. Criteria: ACMG Guidelines, 2015. Collection method: not provided. Allele origin: germline. Inheritance: Autosomal recessive inheritance. Affected: yes.

Mayo Clinic Laboratories, Mayo Clinic
Classification: Benign. Last evaluated: 2016-03-16. Review status: no assertion criteria provided. Collection method: clinical testing. Allele origin: unknown. Not counted in ClinVar's aggregate classification.

NM_020686.6(ABAT):c.1147C>T (p.Leu383=)

Gene: ABAT (4-aminobutyrate aminotransferase; plus strand). Cytogenetic location: 16p13.2.
Variant type: single nucleotide variant.
Coding change: c.1147C>T on transcript NM_020686.6 (MANE Select); coding-DNA position 1147, C replaced by T.
Protein change: p.Leu383=; no amino-acid change (leucine 383 retained).
Molecular consequence: synonymous variant.
Genome position (GRCh38, 1-based): chr16:8,776,368, C>T. VCF-style: chr16-8776368-C-T. GRCh37 (hg19) VCF-style: chr16-8870225-C-T.
Other names: c.1147C>T, p.Leu383= (NM_000663.5, NM_001127448.2, NM_001386600.1 and 6 more transcripts); c.1108C>T, p.Leu370= (NM_001386605.1); c.1084C>T, p.Leu362= (NM_001386606.1, NM_001386607.1); c.1054C>T, p.Leu352= (NM_001386608.1); c.1012C>T, p.Leu338= (NM_001386610.1, NM_001386611.1); c.949C>T, p.Leu317= (NM_001386612.1, NM_001386613.1); c.901C>T, p.Leu301= (NM_001386614.1); c.1243C>T, p.Leu415= (NM_001386615.1).
Identifiers: ClinVar variation 321085 (VCV000321085.21), dbSNP rs2229158, ClinGen allele CA7893449.
Genomic context (GRCh38, chr16:8,776,368, plus strand): 5'-TGTGTGAAGCCTTCCAACACCCGTTCCTCATTCCAGCCCTACCGGATCTTCAACACCTGG[C>T]TGGGGGACCCGTCCAAGAACCTGTTGCTGGCTGAGGTCATCAACATCATCAAGCGGGAGG-3'
Protein context (NP_065737.2, residues 373-393): NAPYRIFNTW[Leu383=]GDPSKNLLLA